The following is an entry in ClinVar:

NM_001330360.2(POLA1):c.4187C>T (p.Thr1396Ile)

Gene: POLA1 (DNA polymerase alpha 1, catalytic subunit; plus strand). Cytogenetic location: Xp21.3.
Variant type: single nucleotide variant.
Coding change: c.4187C>T on transcript NM_001330360.2 (MANE Select); coding-DNA position 4187, C replaced by T.
Protein change: p.Thr1396Ile; replaces threonine 1396 with isoleucine.
Molecular consequence: missense variant. On other transcripts: non-coding transcript variant (2).
Genome position (GRCh38, 1-based): chrX:24,930,475, C>T. VCF-style: chrX-24930475-C-T. GRCh37 (hg19) VCF-style: chrX-24948592-C-T.
Other names: c.4112C>T, p.Thr1371Ile (NM_001378303.1); c.4169C>T, p.Thr1390Ile (NM_016937.4); short protein forms T1371I, T1390I, T1396I.
Identifiers: ClinVar variation 2412994 (VCV002412994.3), dbSNP rs2518950329, ClinGen allele CA412608704.

ClinVar aggregate classification (germline): Uncertain significance (1 of 4 stars; one submission).

Submission:

GeneDx
Classification: Uncertain significance. Last evaluated: 2022-07-29. Review status: criteria provided, single submitter. Criteria: GeneDx Variant Classification Process June 2021. Collection method: clinical testing. Allele origin: germline. Affected: yes.
Comment: Not observed at significant frequency in large population cohorts (gnomAD); In silico analysis supports that this missense variant has a deleterious effect on protein structure/function; Has not been previously published as pathogenic or benign to our knowledge